The following is an entry in ClinVar:

NM_006892.4(DNMT3B):c.1219G>A (p.Gly407Ser)

Gene: DNMT3B (DNA methyltransferase 3 beta; plus strand). Cytogenetic location: 20q11.21.
Variant type: single nucleotide variant.
Coding change: c.1219G>A on transcript NM_006892.4 (MANE Select); coding-DNA position 1219, G replaced by A.
Protein change: p.Gly407Ser; replaces glycine 407 with serine.
Molecular consequence: missense variant.
Genome position (GRCh38, 1-based): chr20:32,795,501, G>A. VCF-style: chr20-32795501-G-A. GRCh37 (hg19) VCF-style: chr20-31383307-G-A.
Other names: c.1033G>A, p.Gly345Ser (NM_001207055.2); c.931G>A, p.Gly311Ser (NM_001207056.2); c.1159G>A, p.Gly387Ser (NM_175848.2, NM_175849.2); c.1195G>A, p.Gly399Ser (NM_175850.3); short protein forms G407S, G345S, G387S, G399S, G311S.
Identifiers: ClinVar variation 338164 (VCV000338164.16), dbSNP rs148646143, ClinGen allele CA9810467.

ClinVar aggregate classification (germline): Conflicting classifications of pathogenicity. Review status: criteria provided, conflicting classifications (1 of 4 stars). 5 submissions from 5 submitters: Uncertain significance (3); Likely benign (2). Last evaluated 2026-02-01.

Conditions:
Immunodeficiency-centromeric instability-facial anomalies syndrome 1 (ICF1). Identifiers: Orphanet 2268, MedGen C4551557, MONDO:0009454, OMIM 242860.
Facioscapulohumeral muscular dystrophy 4, digenic. Identifiers: MedGen C5561960, MONDO:0030355, OMIM 619478.
Centromeric instability of chromosomes 1,9 and 16 and immunodeficiency (ICF1). Also called: CENTROMERIC INSTABILITY, IMMUNODEFICIENCY SYNDROME; IMMUNE DEFICIENCY, VARIABLE, WITH CENTROMERIC INSTABILITY OF CHROMOSOMES 1, 9, AND 16; IMMUNODEFICIENCY SYNDROME, VARIABLE; Immunodeficiency-centromeric instability-facial anomalies. Identifiers: Orphanet 2268, MedGen C0398788, MONDO:0000133.
Inborn genetic diseases. Identifiers: MedGen C0950123, MeSH D030342.

Allele frequency attached by ClinVar (database versions not stated): gnomAD exomes 0.00019 and 0.00030; ESP Exome Variant Server 0.00023; ExAC 0.00029; gnomAD 0.00030 and 0.00034; TOPMed 0.00044.
gnomAD v4.1: 348 of 1,613,990 alleles (0.022%); highest among the groups gnomAD compares: Middle Eastern, 0.13%; no homozygotes.

Submissions (5):

Labcorp Genetics (formerly Invitae), Labcorp
Classification: Likely benign for Centromeric instability of chromosomes 1,9 and 16 and immunodeficiency. Last evaluated: 2026-02-01. Review status: criteria provided, single submitter. Criteria: Invitae Variant Classification Sherloc (09022015). Collection method: clinical testing. Allele origin: germline.

3billion
Classification: Likely benign for Immunodeficiency-centromeric instability-facial anomalies syndrome 1; Facioscapulohumeral muscular dystrophy 4, digenic. Last evaluated: 2024-09-20. Review status: criteria provided, single submitter. Criteria: ACMG Guidelines, 2015. Collection method: clinical testing. Allele origin: germline. Affected: no.
Comment: The homozygous variant was found in patients diagnosed with another variant in a different gene, with no symptoms related to the gene containing the homozygous variant.

Ambry Genetics
Classification: Uncertain significance for Inborn genetic diseases. Last evaluated: 2021-08-09. Review status: criteria provided, single submitter. Criteria: Ambry Variant Classification Scheme 2023. Collection method: clinical testing. Allele origin: germline.

Illumina Laboratory Services, Illumina
Classification: Uncertain significance for Immunodeficiency-centromeric instability-facial anomalies syndrome 1. Last evaluated: 2018-01-13. Review status: criteria provided, single submitter. Criteria: ICSL Variant Classification Criteria 13 December 2019. Collection method: clinical testing. Allele origin: germline.

Breakthrough Genomics
Classification: Uncertain significance. Review status: criteria provided, single submitter. Criteria: ACMG Guidelines, 2015. Collection method: not provided. Allele origin: germline. Inheritance: Autosomal dominant inheritance. Affected: yes.